The following is an entry in ClinVar:

NM_000179.3(MSH6):c.4069_4078del (p.Ile1357fs)

Gene: MSH6 (mutS homolog 6; plus strand). Cytogenetic location: 2p16.3.
Variant type: Deletion.
Coding change: c.4069_4078del on transcript NM_000179.3 (MANE Select); coding-DNA positions 4069 to 4078, 10 bases deleted (ATTAAGGAAT; older notation c.4069_4078delATTAAGGAAT).
Protein change: p.Ile1357fs; shifts the reading frame from isoleucine 1357.
Molecular consequence: frameshift variant. On other transcripts: 3 prime UTR variant (5), non-coding transcript variant (5).
Genome position (GRCh38, 1-based): chr2:47,806,846-47,806,855, ATTAAGGAAT deleted. VCF-style (leftmost placement, unchanged base first): chr2-47806845-GATTAAGGAAT-G. GRCh37 (hg19) VCF-style: chr2-48033984-GATTAAGGAAT-G.
Other names: c.3679_3688del, p.Ile1227fs (NM_001281492.2); c.3163_3172del, p.Ile1055fs (NM_001281493.2, NM_001281494.2, NM_001406811.1 and 6 more transcripts); c.4165_4174del, p.Ile1389fs (NM_001406795.1); c.4069_4078del, p.Ile1357fs (NM_001406796.1, NM_001406809.1); c.3772_3781del, p.Ile1258fs (NM_001406797.1, NM_001406805.1, NM_001406824.1 and 8 more transcripts); c.3895_3904del, p.Ile1299fs (NM_001406798.1); c.3544_3553del, p.Ile1182fs (NM_001406799.1, NM_001406806.1, NM_001406807.1); c.*90_*99del (NM_001406800.1); and 9 more; short protein forms I1055fs, I1301fs, I1331fs, I1389fs, I306fs, I672fs, I835fs, I1069fs.
Identifiers: ClinVar variation 3653438 (VCV003653438.2).

ClinVar aggregate classification (germline): Uncertain significance (1 of 4 stars; one submission).

Conditions:
Hereditary nonpolyposis colorectal neoplasms. Identifiers: MedGen C0009405, MeSH D003123.

Submission:

Labcorp Genetics (formerly Invitae), Labcorp
Classification: Uncertain significance for Hereditary nonpolyposis colorectal neoplasms. Last evaluated: 2024-05-15. Review status: criteria provided, single submitter. Criteria: Invitae Variant Classification Sherloc (09022015). Collection method: clinical testing. Allele origin: germline.
Comment: This sequence change results in a frameshift in the MSH6 gene (p.Ile1357Tyrfs*11). While this is not anticipated to result in nonsense mediated decay, it is expected to disrupt the last 4 amino acid(s) of the MSH6 protein and extend the protein by 6 additional amino acid residues. This variant is not present in population databases (gnomAD no frequency). This variant has not been reported in the literature in individuals affected with MSH6-related conditions. Experimental studies and prediction algorithms are not available or were not evaluated, and the functional significance of this variant is currently unknown. In summary, the available evidence is currently insufficient to determine the role of this variant in disease. Therefore, it has been classified as a Variant of Uncertain Significance.